The following is an entry in ClinVar:

ClinVar aggregate classification (germline): Conflicting classifications of pathogenicity. Review status: criteria provided, conflicting classifications (1 of 4 stars). 2 submissions from 2 submitters: Uncertain significance (1); Likely benign (1). Last evaluated 2024-07-14.

Allele frequency attached by ClinVar (database versions not stated): gnomAD 0.00010; ExAC 0.00011; TOPMed 0.00014; gnomAD exomes 0.00019.
gnomAD v4.1: 217 of 1,206,188 alleles (0.018%); highest among the groups gnomAD compares: Non-Finnish European, 0.022%; no homozygotes.

Submissions (2):

Ambry Genetics
Classification: Uncertain significance. Last evaluated: 2024-07-14. Review status: criteria provided, single submitter. Criteria: Ambry Variant Classification Scheme 2023. Collection method: clinical testing. Allele origin: germline.

CeGaT Center for Human Genetics Tuebingen
Classification: Likely benign. Last evaluated: 2022-04-01. Review status: criteria provided, single submitter. Criteria: CeGaT Center For Human Genetics Tuebingen Variant Classification Criteria Version 2. Collection method: clinical testing. Allele origin: germline. Affected: yes. Observed: 1 variant allele.
Comment: CPXCR1: BP4

NM_033048.6(CPXCR1):c.242G>A (p.Arg81Gln)

Gene: CPXCR1 (CPX chromosome region candidate 1; plus strand). Cytogenetic location: Xq21.31.
Variant type: single nucleotide variant.
Coding change: c.242G>A on transcript NM_033048.6 (MANE Select); coding-DNA position 242, G replaced by A.
Protein change: p.Arg81Gln; replaces arginine 81 with glutamine.
Molecular consequence: missense variant.
Genome position (GRCh38, 1-based): chrX:88,753,656, G>A. VCF-style: chrX-88753656-G-A. GRCh37 (hg19) VCF-style: chrX-88008657-G-A.
Other names: c.242G>A (NM_033048.5); c.242G>A, p.Arg81Gln (NM_001184771.2); short protein forms R81Q.
Identifiers: ClinVar variation 2661013 (VCV002661013.25), dbSNP rs759085594, ClinGen allele CA10466523.